The following is an entry in ClinVar:

NM_001035.3(RYR2):c.14091A>C (p.Val4697=)

Gene: RYR2 (ryanodine receptor 2; plus strand). Cytogenetic location: 1q43.
Variant type: single nucleotide variant.
Coding change: c.14091A>C on transcript NM_001035.3 (MANE Select); coding-DNA position 14091, A replaced by C.
Protein change: p.Val4697=; no amino-acid change (valine 4697 retained).
Molecular consequence: synonymous variant.
Genome position (GRCh38, 1-based): chr1:237,801,856, A>C. VCF-style: chr1-237801856-A-C. GRCh37 (hg19) VCF-style: chr1-237965156-A-C.
Identifiers: ClinVar variation 1171819 (VCV001171819.3), dbSNP rs1660015483, ClinGen allele CA424051549.
Genomic context (GRCh38, chr1:237,801,856, plus strand): 5'-AAGCCTATGAGTCTTTGGTTAATGTGCATAACTACGCATTTTTTTTTTTTGTCATTGCAG[A>C]CTGAACTCCATTGATGTGAAGTATCAGATGTGGAAACTAGGAGTCGTTTTCACTGACAAC-3'
Protein context (NP_001026.2, residues 4687-4707): KPKKDSSLSA[Val4697=]LNSIDVKYQM

ClinVar aggregate classification (germline): Likely benign. Review status: criteria provided, multiple submitters, no conflicts (2 of 4 stars). 2 submissions from 2 submitters: Likely benign (2). Last evaluated 2024-05-17.

Conditions:
Catecholaminergic polymorphic ventricular tachycardia (CVPT). Also called: Catecholamine-induced polymorphic ventricular tachycardia. Identifiers: Orphanet 3286, MedGen C5574922, MONDO:0017990.
Cardiomyopathy (CMYO). Also called: Cardiomyopathies. Identifiers: Orphanet 167848, MedGen C0878544, MONDO:0004994, HP:0001638. Inheritance: Various modes of inheritance.

gnomAD v4.1: 2 of 1,579,896 alleles (0.00013%); highest among the groups gnomAD compares: Non-Finnish European, 0.00017%; no homozygotes.

Submissions (2):

All of Us Research Program, National Institutes of Health
Classification: Likely benign for Catecholaminergic polymorphic ventricular tachycardia. Last evaluated: 2024-05-17. Review status: criteria provided, single submitter. Criteria: ACMG Guidelines, 2015. Collection method: clinical testing. Allele origin: germline. Inheritance: Autosomal dominant inheritance. Observed: 1 variant allele, 1 heterozygote.
Comment: This study involves interpretation of variants in research participants for the purpose of population health screening. Participant phenotype was not available at the time of variant classification. Additional details can be found in publication PMID: 35346344, PMCID: PMC8962531

Color Diagnostics, LLC DBA Color Health
Classification: Likely benign for Cardiomyopathy. Last evaluated: 2020-12-21. Review status: criteria provided, single submitter. Criteria: ACMG Guidelines, 2015. Collection method: clinical testing. Allele origin: germline.